The following is an entry in ClinVar:

NM_015909.4(NBAS):c.4984G>A (p.Ala1662Thr)

Gene: NBAS (NBAS subunit of NRZ tethering complex; minus strand). Cytogenetic location: 2p24.3.
Variant type: single nucleotide variant.
Coding change: c.4984G>A on transcript NM_015909.4 (MANE Select); coding-DNA position 4984, G replaced by A.
Protein change: p.Ala1662Thr; replaces alanine 1662 with threonine.
Molecular consequence: missense variant. On other transcripts: non-coding transcript variant (1).
Genome position (GRCh38, 1-based): chr2:15,292,580, C>T on the plus strand (G>A on the coding strand, the complement: NBAS is on the minus strand). VCF-style: chr2-15292580-C-T. GRCh37 (hg19) VCF-style: chr2-15432704-C-T.
Other names: short protein forms A1662T.
Identifiers: ClinVar variation 2096515 (VCV002096515.4), dbSNP rs766984002, ClinGen allele CA1535434.

ClinVar aggregate classification (germline): Uncertain significance (1 of 4 stars; one submission).

Allele frequency attached by ClinVar (database versions not stated): ExAC 0.00001.
gnomAD v4.1: 1 of 1,614,200 alleles (0.000062%); no homozygotes.

Submission:

Labcorp Genetics (formerly Invitae), Labcorp
Classification: Uncertain significance. Last evaluated: 2022-02-23. Review status: criteria provided, single submitter. Criteria: Invitae Variant Classification Sherloc (09022015). Collection method: clinical testing. Allele origin: germline.
Comment: In summary, the available evidence is currently insufficient to determine the role of this variant in disease. Therefore, it has been classified as a Variant of Uncertain Significance. Algorithms developed to predict the effect of missense changes on protein structure and function output the following: SIFT: "Deleterious"; PolyPhen-2: "Benign"; Align-GVGD: "Class C55". The threonine amino acid residue is found in multiple mammalian species, which suggests that this missense change does not adversely affect protein function. This variant has not been reported in the literature in individuals affected with NBAS-related conditions. This variant is present in population databases (rs766984002, gnomAD no frequency). This sequence change replaces alanine, which is neutral and non-polar, with threonine, which is neutral and polar, at codon 1662 of the NBAS protein (p.Ala1662Thr).